The following is an entry in ClinVar:

ClinVar aggregate classification (germline): Conflicting classifications of pathogenicity. Review status: criteria provided, conflicting classifications (1 of 4 stars). 9 submissions from 9 submitters: Uncertain significance (8); Likely benign (1). Last evaluated 2026-09-01.

Conditions:
Progressive familial heart block type IB (PFHB1B). Identifiers: Orphanet 871, MedGen C1970298, MONDO:0011474, OMIM 604559.
Erythrokeratodermia variabilis et progressiva 6. Identifiers: MedGen C5193144, MONDO:0032801, OMIM 618531.
Cardiovascular phenotype. Identifiers: MedGen CN230736.
Long QT syndrome (LQTS). Identifiers: MedGen C0023976, MeSH D008133, MONDO:0002442. Disease mechanism: loss of function. Inheritance: Various modes of inheritance.

Submissions (9):

CeGaT Center for Human Genetics Tuebingen
Classification: Uncertain significance. Last evaluated: 2026-09-01. Review status: criteria provided, single submitter. Criteria: CeGaT Center For Human Genetics Tuebingen Variant Classification Criteria Version 2. Collection method: clinical testing. Allele origin: germline. Affected: yes. Observed: 2 variant alleles.

Labcorp Genetics (formerly Invitae), Labcorp
Classification: Uncertain significance for Progressive familial heart block type IB. Last evaluated: 2026-01-26. Review status: criteria provided, single submitter. Criteria: Invitae Variant Classification Sherloc (09022015). Collection method: clinical testing. Allele origin: germline.
Comment: This sequence change creates a premature translational stop signal (p.His889Thrfs*35) in the TRPM4 gene. It is expected to result in an absent or disrupted protein product. However, the current clinical and genetic evidence is not sufficient to establish whether loss-of-function variants in TRPM4 cause disease. This variant is present in population databases (rs777047595, gnomAD 0.03%). This premature translational stop signal has been observed in individual(s) with catecholaminergic polymorphic ventricular tachycardia (PMID: 30847666). ClinVar contains an entry for this variant (Variation ID: 422801). In summary, the available evidence is currently insufficient to determine the role of this variant in disease. Therefore, it has been classified as a Variant of Uncertain Significance.

Blueprint Genetics
Classification: Likely benign. Last evaluated: 2024-11-14. Review status: criteria provided, single submitter. Criteria: ACMG Guidelines, 2015. Collection method: clinical testing. Allele origin: germline.

Ambry Genetics
Classification: Uncertain significance for Cardiovascular phenotype. Last evaluated: 2024-11-12. Review status: criteria provided, single submitter. Criteria: Ambry Variant Classification Scheme 2023. Collection method: clinical testing. Allele origin: germline.
Comment: The c.2665delC variant, located in coding exon 18 of the TRPM4 gene, results from a deletion of one nucleotide at nucleotide position 2665, causing a translational frameshift with a predicted alternate stop codon (p.H889Tfs*35). This variant was detected in an arrhythmia genetic testing cohort; however, clinical details were limited (van Lint FHM et al. Neth Heart J, 2019 Jun;27:304-309).This alteration is expected to result in loss of function by premature protein truncation or nonsense-mediated mRNA decay. However, loss of function of TRPM4 has not been clearly established as a mechanism of disease. Since supporting evidence is limited at this time, the clinical significance of this alteration remains unclear.

Dept of Medical Biology, Uskudar University
Classification: Uncertain significance for Long QT syndrome. Last evaluated: 2024-01-08. Review status: criteria provided, single submitter. Criteria: Dept of Medical Biology Variant Classification. Collection method: research. Allele origin: maternal. Affected: yes. Observed: 1 variant allele.
Comment: Criteria: PVS1_Moderate

Clinical Genomics Laboratory, Stanford Medicine
Classification: Uncertain significance for Erythrokeratodermia variabilis et progressiva 6; Progressive familial heart block type IB. Last evaluated: 2022-12-01. Review status: criteria provided, single submitter. Criteria: ACMG Guidelines, 2015. Collection method: clinical testing. Allele origin: germline. Observed: 1 variant allele, 1 heterozygote.
Comment: The p.His889Thrfs*35 variant in the TRPM4 gene has been previously reported in an individual with catecholaminergic polymorphic ventricular tachycardia (van Lint et al., 2019). This variant has been identified in 33/128,982 European non-Finnish chromosomes (38/282,644 chromosomes overall) by the Genome Aggregation Database. This variant is present in ClinVar (VCV000422801.22). This variant results in a 1 bp deletion in exon 18 of 25 exons, causing a shift in the protein reading frame leading to a premature termination codon 35 amino acids downstream, and is therefore predicted to undergo nonsense-mediated decay resulting in a truncated or absent protein. Loss-of-function is not currently an established mechanism of disease for the TRPM4 gene. These data were assessed using the ACMG/AMP variant interpretation guidelines. In summary, the significance of the p.His889Thrfs*35 variant is uncertain. Additional information is needed to resolve the significance of this variant. [ACMG evidence codes used: PVS1_Moderate]

Fulgent Genetics
Classification: Uncertain significance for Progressive familial heart block type IB; Erythrokeratodermia variabilis et progressiva 6. Last evaluated: 2021-10-20. Review status: criteria provided, single submitter. Criteria: ACMG Guidelines, 2015. Collection method: clinical testing. Allele origin: unknown.

GeneDx
Classification: Uncertain significance. Last evaluated: 2020-02-25. Review status: criteria provided, single submitter. Criteria: GeneDx Variant Classification Process June 2021. Collection method: clinical testing. Allele origin: germline. Affected: yes.
Comment: Has not been previously published as pathogenic or benign to our knowledge; Frameshift variant predicted to result in protein truncation or nonsense mediated decay in a gene for which loss-of-function is not a known mechanism of disease; Reported in ClinVar as a variant of uncertain significance (ClinVar Variant ID# 422801; Landrum et al., 2016); This variant is associated with the following publications: (PMID: 30847666)

Breakthrough Genomics
Classification: Uncertain significance. Review status: criteria provided, single submitter. Criteria: ACMG Guidelines, 2015. Collection method: not provided. Allele origin: germline. Inheritance: Autosomal dominant inheritance. Affected: yes.

Literature cited by the submitters: PubMed 30847666 (cited by 3 submitters); PubMed 26046366 (cited by Ambry Genetics).

NM_017636.4(TRPM4):c.2665del (p.His889fs)

Gene: TRPM4 (transient receptor potential cation channel subfamily M member 4; plus strand). Cytogenetic location: 19q13.33.
Variant type: Deletion.
Coding change: c.2665del on transcript NM_017636.4 (MANE Select); coding-DNA position 2665, one base deleted (C; older notation c.2665delC).
Protein change: p.His889fs; shifts the reading frame from histidine 889.
Molecular consequence: frameshift variant.
Genome position (GRCh38, 1-based): chr19:49,200,319, C deleted; the last of 2 consecutive C bases (chr19:49,200,318-49,200,319); deleting either gives the same sequence. VCF-style (leftmost placement, unchanged base first): chr19-49200317-AC-A. GRCh37 (hg19) VCF-style: chr19-49703574-AC-A.
Other names: c.2665del (NM_017636.3); c.2230del, p.His744fs (NM_001195227.2); c.2320del, p.His774fs (NM_001321281.2); c.1057del, p.His353fs (NM_001321282.2); c.2143del, p.His715fs (NM_001321283.2); c.1603del, p.His535fs (NM_001321285.2); c.2665delC (NM_017636.4); short protein forms H353fs, H535fs, H774fs, H889fs, H744fs, H715fs.
Identifiers: ClinVar variation 422801 (VCV000422801.27), dbSNP rs777047595, ClinGen allele CA9569618.